The following is an entry in ClinVar:

ClinVar aggregate classification (germline): Uncertain significance. Review status: criteria provided, multiple submitters, no conflicts (2 of 4 stars). 2 submissions from 2 submitters: Uncertain significance (2). Last evaluated 2025-05-14.

Conditions:
Congenital myasthenic syndrome 12 (CMS12). Also called: Myasthenia, congenital, 12, with tubular aggregates; MYASTHENIC SYNDROME, CONGENITAL, WITH TUBULAR AGGREGATES 1. Identifiers: Orphanet 353327, Orphanet 590, MedGen C3552335, MONDO:0012518, OMIM 610542.

Allele frequency attached by ClinVar (database versions not stated): gnomAD exomes below 0.00001; TOPMed below 0.00001; ExAC 0.00001; ESP Exome Variant Server 0.00008.
gnomAD v4.1: 5 of 1,612,970 alleles (0.00031%); highest among the groups gnomAD compares: South Asian, 0.0011%; no homozygotes.

Submissions (3):

Labcorp Genetics (formerly Invitae), Labcorp
Classification: Uncertain significance for Congenital myasthenic syndrome 12. Last evaluated: 2025-05-14. Review status: criteria provided, single submitter. Criteria: Invitae Variant Classification Sherloc (09022015). Collection method: clinical testing. Allele origin: germline.
Comment: This sequence change replaces glycine, which is neutral and non-polar, with arginine, which is basic and polar, at codon 196 of the GFPT1 protein (p.Gly196Arg). This variant is present in population databases (rs370171865, gnomAD 0.007%). This missense change has been observed in individual(s) with clinical features of congenital myasthenic syndrome (PMID: 37721175; internal data). ClinVar contains an entry for this variant (Variation ID: 1463126). Invitae Evidence Modeling of protein sequence and biophysical properties (such as structural, functional, and spatial information, amino acid conservation, physicochemical variation, residue mobility, and thermodynamic stability) indicates that this missense variant is not expected to disrupt GFPT1 protein function with a negative predictive value of 80%. Algorithms developed to predict the effect of sequence changes on RNA splicing suggest that this variant may disrupt the consensus splice site. In summary, the available evidence is currently insufficient to determine the role of this variant in disease. Therefore, it has been classified as a Variant of Uncertain Significance.

Women's Health and Genetics/Laboratory Corporation of America, LabCorp
Classification: Uncertain significance. Last evaluated: 2024-12-23. Review status: criteria provided, single submitter. Criteria: LabCorp Variant Classification Summary - May 2015. Collection method: clinical testing. Allele origin: germline.
Comment: Variant summary: GFPT1 c.586G>A (p.Gly196Arg) results in a non-conservative amino acid change in the encoded protein sequence. Five of five in-silico tools predict a damaging effect of the variant on protein function. The variant allele was found at a frequency of 4e-06 in 251410 control chromosomes. The available data on variant occurrences in the general population are insufficient to allow any conclusion about variant significance. c.586G>A has been reported in the literature in one individual affected with Congenital Myasthenic Syndrome (Polavarapu_2024). These report(s) do not provide unequivocal conclusions about association of the variant with Congenital Myasthenic Syndrome. To our knowledge, no experimental evidence demonstrating an impact on protein function has been reported. The following publication has been ascertained in the context of this evaluation (PMID: 37721175). ClinVar contains an entry for this variant (Variation ID: 1463126). Based on the evidence outlined above, the variant was classified as uncertain significance.

Dr. Peter K. Rogan Lab, Western University
No classification provided (evidence only). Condition: Nonpapillary renal cell carcinoma. Review status: no classification provided. Collection method: in vitro. Allele origin: not applicable. Functional consequence: retained intron. Not counted in ClinVar's aggregate classification.

Literature cited by the submitters: PubMed 37721175 (cited by Labcorp Genetics (formerly Invitae), Labcorp and Women's Health and Genetics/Laboratory Corporation of America, LabCorp).

NM_001244710.2(GFPT1):c.586G>A (p.Gly196Arg)

Gene: GFPT1 (glutamine--fructose-6-phosphate transaminase 1; minus strand). Cytogenetic location: 2p13.3.
Variant type: single nucleotide variant.
Coding change: c.586G>A on transcript NM_001244710.2 (MANE Select); coding-DNA position 586, G replaced by A.
Protein change: p.Gly196Arg; replaces glycine 196 with arginine.
Molecular consequence: missense variant.
Genome position (GRCh38, 1-based): chr2:69,356,515, C>T on the plus strand (G>A on the coding strand, the complement: GFPT1 is on the minus strand). VCF-style: chr2-69356515-C-T. GRCh37 (hg19) VCF-style: chr2-69583647-C-T.
Other names: c.586G>A, p.Gly196Arg (NM_002056.4); short protein forms G196R.
Identifiers: ClinVar variation 1463126 (VCV001463126.10), dbSNP rs370171865, ClinGen allele CA1693838.